The following is an entry in ClinVar:

ClinVar aggregate classification (germline): Likely benign. Review status: criteria provided, multiple submitters, no conflicts (2 of 4 stars). 3 submissions from 3 submitters: Likely benign (3). Last evaluated 2025-02-05.

Conditions:
Charcot-Marie-Tooth disease axonal type 2O. Also called: CHARCOT-MARIE-TOOTH NEUROPATHY, AXONAL, TYPE 2O; CHARCOT-MARIE-TOOTH DISEASE, AXONAL, AUTOSOMAL DOMINANT, TYPE 2O; Charcot-Marie-Tooth Neuropathy Type 2O; Charcot-Marie-Tooth disease, axonal, type 20. Identifiers: Orphanet 284232, MedGen C3280220, MONDO:0013644, OMIM 614228.

Allele frequency attached by ClinVar (database versions not stated): gnomAD exomes below 0.00001; TOPMed below 0.00001; ExAC 0.00001; ESP Exome Variant Server 0.00008.
gnomAD v4.1: 2 of 1,614,070 alleles (0.00012%); highest among the groups gnomAD compares: Non-Finnish European, 0.00017%; no homozygotes.

Submissions (3):

Women's Health and Genetics/Laboratory Corporation of America, LabCorp
Classification: Likely benign. Last evaluated: 2025-02-05. Review status: criteria provided, single submitter. Criteria: LabCorp Variant Classification Summary - May 2015. Collection method: clinical testing. Allele origin: germline.

Labcorp Genetics (formerly Invitae), Labcorp
Classification: Likely benign for Charcot-Marie-Tooth disease axonal type 2O. Last evaluated: 2024-04-25. Review status: criteria provided, single submitter. Criteria: Invitae Variant Classification Sherloc (09022015). Collection method: clinical testing. Allele origin: germline.

GeneDx
Classification: Likely benign. Last evaluated: 2016-05-19. Review status: criteria provided, single submitter. Criteria: GeneDx Variant Classification (06012015). Collection method: clinical testing. Allele origin: germline. Affected: yes.
Comment: This variant is considered likely benign or benign based on one or more of the following criteria: it is a conservative change, it occurs at a poorly conserved position in the protein, it is predicted to be benign by multiple in silico algorithms, and/or has population frequency not consistent with disease.

NM_001376.5(DYNC1H1):c.9903G>A (p.Lys3301=)

Gene: DYNC1H1 (dynein cytoplasmic 1 heavy chain 1; plus strand). Cytogenetic location: 14q32.31.
Variant type: single nucleotide variant.
Coding change: c.9903G>A on transcript NM_001376.5 (MANE Select); coding-DNA position 9903, G replaced by A.
Protein change: p.Lys3301=; no amino-acid change (lysine 3301 retained).
Molecular consequence: synonymous variant.
Genome position (GRCh38, 1-based): chr14:102,032,291, G>A. VCF-style: chr14-102032291-G-A. GRCh37 (hg19) VCF-style: chr14-102498628-G-A.
Identifiers: ClinVar variation 385967 (VCV000385967.7), dbSNP rs374398934, ClinGen allele CA7353335.
Genomic context (GRCh38, chr14:102,032,291, plus strand): 5'-CTCCCACCCATCGACCCTCATCCACTCCTGCTGCCACTCAGCTGTGAAGTCGATCAAGAA[G>A]CAGCACCTGGTGGAGGTGAGGTCCATGGCCAACCCTCCTGCTGCTGTGAAGCTGGCGCTG-3'
Protein context (NP_001367.2, residues 3291-3311): EAQNAVKSIK[Lys3301=]QHLVEVRSMA